The following is an entry in ClinVar:

ClinVar aggregate classification (germline): Uncertain significance (1 of 4 stars; one submission).

Conditions:
Retinitis pigmentosa 73 (RP73). Identifiers: Orphanet 791, MedGen C4225287, MONDO:0014687, OMIM 616544.
Mucopolysaccharidosis, MPS-III-C (MPS3C). Also called: SANFILIPPO SYNDROME C; MPS III C; Mucopolysaccharidosis type IIIC (Sanfilippo C); MUCOPOLYSACCHARIDOSIS, TYPE IIIC; mucopolysaccharidosis type 3C; MPS IIIC (Sanfilippo Syndrome Type C). Identifiers: Orphanet 581, Orphanet 79271, MedGen C0086649, MONDO:0009657, OMIM 252930.

Submission:

Labcorp Genetics (formerly Invitae), Labcorp
Classification: Uncertain significance for Retinitis pigmentosa 73; Mucopolysaccharidosis, MPS-III-C. Last evaluated: 2024-02-14. Review status: criteria provided, single submitter. Criteria: Invitae Variant Classification Sherloc (09022015). Collection method: clinical testing. Allele origin: germline.
Comment: This sequence change replaces serine, which is neutral and polar, with asparagine, which is neutral and polar, at codon 202 of the HGSNAT protein (p.Ser202Asn). Information on the frequency of this variant in the gnomAD database is not available, as this variant may be reported differently in the database. This variant has not been reported in the literature in individuals affected with HGSNAT-related conditions. An algorithm developed to predict the effect of missense changes on protein structure and function (PolyPhen-2) suggests that this variant is likely to be tolerated. In summary, the available evidence is currently insufficient to determine the role of this variant in disease. Therefore, it has been classified as a Variant of Uncertain Significance.

NM_152419.3(HGSNAT):c.604_605delinsAA (p.Ser202Asn)

Gene: HGSNAT (heparan-alpha-glucosaminide N-acetyltransferase; plus strand). Cytogenetic location: 8p11.21.
Variant type: Indel.
Coding change: c.604_605delinsAA on transcript NM_152419.3 (MANE Select); coding-DNA positions 604 to 605, TC replaced by AA.
Protein change: p.Ser202Asn; replaces serine 202 with asparagine.
Molecular consequence: missense variant. On other transcripts: 5 prime UTR variant (1).
Genome position (GRCh38, 1-based): chr8:43,169,213-43,169,214, TC replaced by AA. VCF-style: chr8-43169213-TC-AA. GRCh37 (hg19) VCF-style: chr8-43024356-TC-AA.
Other names: c.604_605delinsAA, p.Ser202Asn (NM_001363227.2, NM_001363228.2); c.-230_-229delinsAA (NM_001363229.2); short protein forms S202N.
Identifiers: ClinVar variation 2938904 (VCV002938904.3), dbSNP rs2486955919, ClinGen allele CA2740095030.